The following is an entry in ClinVar:

NM_021930.6(RINT1):c.2174A>G (p.Asn725Ser)

Genes: EFCAB10 (EF-hand calcium binding domain 10; minus strand), RINT1 (RAD50 interactor 1; plus strand). Cytogenetic location: 7q22.3.
Variant type: single nucleotide variant.
Coding change: c.2174A>G on transcript NM_021930.6 (MANE Select); coding-DNA position 2174, A replaced by G.
Protein change: p.Asn725Ser; replaces asparagine 725 with serine.
Molecular consequence: missense variant. On other transcripts: non-coding transcript variant (1), intron variant (3).
Genome position (GRCh38, 1-based): chr7:105,565,636, A>G. VCF-style: chr7-105565636-A-G. GRCh37 (hg19) VCF-style: chr7-105206083-A-G.
Other names: c.1940A>G, p.Asn647Ser (NM_001346599.2); c.1151A>G, p.Asn384Ser (NM_001346600.2, NM_001346603.2); c.1250A>G, p.Asn417Ser (NM_001346601.2); c.360-189T>C (NM_001355531.2); c.384-189T>C (NM_001355526.2); c.384-21T>C (NM_001355530.2); short protein forms N384S, N417S, N725S, N647S.
Identifiers: ClinVar variation 3433603 (VCV003433603.1).

ClinVar aggregate classification (germline): Uncertain significance (1 of 4 stars; one submission).

Submission:

Ambry Genetics
Classification: Uncertain significance. Last evaluated: 2024-08-19. Review status: criteria provided, single submitter. Criteria: Ambry Variant Classification Scheme 2023. Collection method: clinical testing. Allele origin: germline.
Comment: The p.N725S variant (also known as c.2174A>G), located in coding exon 14 of the RINT1 gene, results from an A to G substitution at nucleotide position 2174. The asparagine at codon 725 is replaced by serine, an amino acid with highly similar properties. This amino acid position is conserved. In addition, this alteration is predicted to be tolerated by in silico analysis. Based on the available evidence, the clinical significance of this variant remains unclear.